The following is an entry in ClinVar:

NM_001243279.3(ACSF3):c.1366+1G>A

Gene: ACSF3 (acyl-CoA synthetase family member 3; plus strand). Cytogenetic location: 16q24.3.
Variant type: single nucleotide variant.
Coding change: c.1366+1G>A on transcript NM_001243279.3 (MANE Select); the canonical splice donor site of the intron after coding-DNA position 1366, G replaced by A.
Molecular consequence: splice donor variant.
Genome position (GRCh38, 1-based): chr16:89,133,263, G>A. VCF-style: chr16-89133263-G-A. GRCh37 (hg19) VCF-style: chr16-89199671-G-A.
Other names: c.1366+1G>A (NM_174917.4, NM_001127214.4, NM_174917.5); c.571+1G>A (NM_001284316.2).
Identifiers: ClinVar variation 2110345 (VCV002110345.5), dbSNP rs1389783773, ClinGen allele CA397145706.

ClinVar aggregate classification (germline): Likely pathogenic. Review status: criteria provided, multiple submitters, no conflicts (2 of 4 stars). 2 submissions from 2 submitters: Likely pathogenic (2). Last evaluated 2025-05-29.

Conditions:
Combined malonic and methylmalonic acidemia. Identifiers: Orphanet 289504, MedGen C3280314, MONDO:0013661, OMIM 614265.

Allele frequency attached by ClinVar (database versions not stated): TOPMed below 0.00001; gnomAD 0.00001.
gnomAD v4.1: 2 of 1,613,882 alleles (0.00012%); highest among the groups gnomAD compares: Non-Finnish European, 0.00017%; no homozygotes.

Submissions (2):

Natera, Inc.
Classification: Likely pathogenic for Combined malonic and methylmalonic aciduria. Last evaluated: 2025-05-29. Review status: criteria provided, single submitter. Criteria: Natera Variant Classification Schema (03/2026). Collection method: clinical testing. Allele origin: germline.
Comment: The c.1366+1G>A variant in ACSF3 is a canonical splice donor site variant predicted to affect pre-mRNA splicing, which may result in an abnormal transcript and altered protein product. This variant is expected to result in nonsense mediated decay, truncation, or a dysfunctional protein product. This variant is rare in the general population with a frequency below the threshold expected for the associated phenotype(s). Given the available evidence, this variant is classified as Likely Pathogenic.

Labcorp Genetics (formerly Invitae), Labcorp
Classification: Likely pathogenic for Combined malonic and methylmalonic acidemia. Last evaluated: 2022-03-12. Review status: criteria provided, single submitter. Criteria: Invitae Variant Classification Sherloc (09022015). Collection method: clinical testing. Allele origin: germline.
Comment: This sequence change affects a donor splice site in intron 8 of the ACSF3 gene. It is expected to disrupt RNA splicing. Variants that disrupt the donor or acceptor splice site typically lead to a loss of protein function (PMID: 16199547), and loss-of-function variants in ACSF3 are known to be pathogenic (PMID: 21841779, 26827111). This variant is not present in population databases (gnomAD no frequency). In summary, the currently available evidence indicates that the variant is pathogenic, but additional data are needed to prove that conclusively. Therefore, this variant has been classified as Likely Pathogenic. Algorithms developed to predict the effect of sequence changes on RNA splicing suggest that this variant may disrupt the consensus splice site. This variant has not been reported in the literature in individuals affected with ACSF3-related conditions.

Literature cited by the submitters: PubMed 16199547 (cited by Labcorp Genetics (formerly Invitae), Labcorp); PubMed 21841779 (cited by Labcorp Genetics (formerly Invitae), Labcorp); PubMed 26827111 (cited by Labcorp Genetics (formerly Invitae), Labcorp).